The following is an entry in ClinVar:

ClinVar aggregate classification (germline): Likely benign. Review status: criteria provided, multiple submitters, no conflicts (2 of 4 stars). 2 submissions from 2 submitters: Likely benign (2). Last evaluated 2025-05-14.

Conditions:
Multiple endocrine neoplasia, type 2 (MEN2). Identifiers: Orphanet 653, MedGen C4048306, MONDO:0019003. Disease mechanism: gain of function.
Multiple endocrine neoplasia type 2A. Also called: MULTIPLE ENDOCRINE NEOPLASIA, TYPE IIA; PTC SYNDROME; SIPPLE SYNDROME; MEN 2A; MEN-2A syndrome; Pheochromocytoma and amyloid producing medullary thyroid carcinoma. Identifiers: Orphanet 247698, Orphanet 653, MedGen C0025268, MeSH D018813, MONDO:0008234, OMIM 171400.

Submissions (2):

Labcorp Genetics (formerly Invitae), Labcorp
Classification: Likely benign for Multiple endocrine neoplasia, type 2. Last evaluated: 2025-05-14. Review status: criteria provided, single submitter. Criteria: Invitae Variant Classification Sherloc (09022015). Collection method: clinical testing. Allele origin: germline.

Myriad Genetics, Inc.
Classification: Likely benign for Multiple endocrine neoplasia type 2A. Last evaluated: 2025-02-25. Review status: criteria provided, single submitter. Criteria: Myriad Autosomal Dominant, Autosomal Recessive and X-Linked Classification Criteria (2023). Collection method: clinical testing. Allele origin: unknown.
Comment: This variant is considered likely benign. This variant is intronic and is not expected to impact mRNA splicing.

NM_020975.6(RET):c.868-11G>A

Gene: RET (ret proto-oncogene; plus strand). Cytogenetic location: 10q11.21.
Variant type: single nucleotide variant.
Coding change: c.868-11G>A on transcript NM_020975.6 (MANE Select); 11 bases into the intron before coding-DNA position 868, G replaced by A.
Molecular consequence: intron variant.
Genome position (GRCh38, 1-based): chr10:43,106,365, G>A. VCF-style: chr10-43106365-G-A. GRCh37 (hg19) VCF-style: chr10-43601813-G-A.
Other names: c.74-5734G>A (NM_001406792.1, NM_001406793.1, NM_001406794.1); c.106-11G>A (NM_001355216.2); c.739-11G>A (NM_001406768.1, NM_001406762.1, NM_001406761.1 and 1 more transcripts); c.738+1172G>A (NM_001406774.1); c.496+3736G>A (NM_001406786.1, NM_001406783.1); c.580-11G>A (NM_001406770.1, NM_001406766.1, NM_001406767.1); c.338-2666G>A (NM_001406778.1, NM_001406775.1, NM_001406776.1 and 1 more transcripts); c.337+5643G>A (NM_001406790.1, NM_001406788.1, NM_001406789.1 and 1 more transcripts); and 5 more.
Identifiers: ClinVar variation 1596907 (VCV001596907.10), dbSNP rs1395130256, ClinGen allele CA593290043.